The following is an entry in ClinVar:

ClinVar aggregate classification (germline): Likely benign (0 of 4 stars; one submission).

Conditions:
PLXNA1-related disorder. Also called: PLXNA1-related condition.

Allele frequency attached by ClinVar (database versions not stated): TOPMed below 0.00001; gnomAD exomes 0.00001.
gnomAD v4.1: 3 of 1,614,032 alleles (0.00019%); highest among the groups gnomAD compares: Non-Finnish European, 0.00025%; no homozygotes.

Submission:

PreventionGenetics, part of Exact Sciences
Classification: Likely benign for PLXNA1-related condition. Last evaluated: 2022-11-10. Review status: no assertion criteria provided. Collection method: clinical testing. Allele origin: germline.
Comment: This variant is classified as likely benign based on ACMG/AMP sequence variant interpretation guidelines (Richards et al. 2015 PMID: 25741868, with internal and published modifications).

NM_032242.4(PLXNA1):c.5181C>T (p.Asp1727=)

Gene: PLXNA1 (plexin A1; plus strand). Cytogenetic location: 3q21.3.
Variant type: single nucleotide variant.
Coding change: c.5181C>T on transcript NM_032242.4 (MANE Select); coding-DNA position 5181, C replaced by T.
Protein change: p.Asp1727=; no amino-acid change (aspartic acid 1727 retained).
Molecular consequence: synonymous variant.
Genome position (GRCh38, 1-based): chr3:127,030,362, C>T. VCF-style: chr3-127030362-C-T. GRCh37 (hg19) VCF-style: chr3-126749205-C-T.
Identifiers: ClinVar variation 3044810 (VCV003044810.2), dbSNP rs1208952054, ClinGen allele CA435509049.